The following is an entry in ClinVar:

ClinVar aggregate classification (germline): Uncertain significance (1 of 4 stars; one submission).

Submission:

CeGaT Center for Human Genetics Tuebingen
Classification: Uncertain significance. Last evaluated: 2023-04-01. Review status: criteria provided, single submitter. Criteria: CeGaT Center For Human Genetics Tuebingen Variant Classification Criteria Version 2. Collection method: clinical testing. Allele origin: germline. Affected: yes. Observed: 1 variant allele.
Comment: COL1A2: PM1, PM2, PP3

NM_000089.4(COL1A2):c.452G>C (p.Gly151Ala)

Gene: COL1A2 (collagen type I alpha 2 chain; plus strand). Cytogenetic location: 7q21.3.
Variant type: single nucleotide variant.
Coding change: c.452G>C on transcript NM_000089.4 (MANE Select); coding-DNA position 452, G replaced by C.
Protein change: p.Gly151Ala; replaces glycine 151 with alanine.
Molecular consequence: missense variant.
Genome position (GRCh38, 1-based): chr7:94,405,218, G>C. VCF-style: chr7-94405218-G-C. GRCh37 (hg19) VCF-style: chr7-94034530-G-C.
Other names: short protein forms G151A.
Identifiers: ClinVar variation 2657680 (VCV002657680.24), dbSNP rs2484700618, ClinGen allele CA368219802.
Genomic context (GRCh38, chr7:94,405,218, plus strand): 5'-TTACCAAGAAGAAGTTGACTCTACAATGTTTTCATGTTTAGGGTCACCCTGGAAAACCCG[G>C]ACGACCTGGTGAGAGAGGAGTTGTTGGACCACAGGTGAGACTTTTTACATTGGTAGATAG-3'
Protein context (NP_000080.2, residues 141-161): AGEDGHPGKP[Gly151Ala]RPGERGVVGP